The following is an entry in ClinVar:

ClinVar aggregate classification (germline): Pathogenic (1 of 4 stars; one submission).

Conditions:
Long QT syndrome (LQTS). Identifiers: MedGen C0023976, MeSH D008133, MONDO:0002442. Disease mechanism: loss of function. Inheritance: Various modes of inheritance.

Submission:

Labcorp Genetics (formerly Invitae), Labcorp
Classification: Pathogenic for Long QT syndrome. Last evaluated: 2021-09-16. Review status: criteria provided, single submitter. Criteria: Invitae Variant Classification Sherloc (09022015). Collection method: clinical testing. Allele origin: germline.
Comment: For these reasons, this variant has been classified as Pathogenic. The frequency data for this variant in the population databases is considered unreliable, as metrics indicate insufficient coverage at this position in the ExAC database. This variant has not been reported in the literature in individuals affected with KCNH2-related conditions. This variant disrupts a region of the KCNH2 protein in which other variant(s) (p.Ala1124Glyfs*146) have been determined to be pathogenic (PMID: 15572050; Invitae). This suggests that this is a clinically significant region of the protein, and that variants that disrupt it are likely to be disease-causing. This sequence change creates a premature translational stop signal (p.Gly1036Alafs*86) in the KCNH2 gene. While this is not anticipated to result in nonsense mediated decay, it is expected to disrupt the last 124 amino acid(s) of the KCNH2 protein.

Literature cited by the submitters: PubMed 15572050.

NM_000238.4(KCNH2):c.3097_3106dup (p.Gly1036fs)

Gene: KCNH2 (potassium voltage-gated channel subfamily H member 2; minus strand). Cytogenetic location: 7q36.1.
Variant type: Duplication.
Coding change: c.3097_3106dup on transcript NM_000238.4 (MANE Select); coding-DNA positions 3097 to 3106, 10 bases duplicated (CGGCCCCGGG; older notation c.3097_3106dupCGGCCCCGGG).
Protein change: p.Gly1036fs; shifts the reading frame from glycine 1036.
Molecular consequence: frameshift variant.
Genome position (GRCh38, 1-based): chr7:150,947,374-150,947,383, CCCGGGGCCG duplicated on the plus strand (CGGCCCCGGG on the coding strand, the reverse complement: KCNH2 is on the minus strand); duplicating any 10 consecutive bases within chr7:150,947,374-150,947,385 gives the same sequence; the c. name uses the placement nearest the transcript's 3' end. VCF-style (leftmost placement, unchanged base first): chr7-150947373-C-CCCCGGGGCCG. GRCh37 (hg19) VCF-style: chr7-150644461-C-CCCCGGGGCCG.
Other names: c.2077_2086dup, p.Gly696fs (NM_172057.3); short protein forms G1036fs, G696fs.
Identifiers: ClinVar variation 1072040 (VCV001072040.7), dbSNP rs2116928723, ClinGen allele CA2499218783.